The following is an entry in ClinVar:

NM_005120.3(MED12):c.6336A>G (p.Gln2112=)

Gene: MED12 (mediator complex subunit 12; plus strand). Cytogenetic location: Xq13.1.
Variant type: single nucleotide variant.
Coding change: c.6336A>G on transcript NM_005120.3 (MANE Select); coding-DNA position 6336, A replaced by G.
Protein change: p.Gln2112=; no amino-acid change (glutamine 2112 retained).
Molecular consequence: synonymous variant.
Genome position (GRCh38, 1-based): chrX:71,141,298, A>G. VCF-style: chrX-71141298-A-G. GRCh37 (hg19) VCF-style: chrX-70361148-A-G.
Identifiers: ClinVar variation 3024768 (VCV003024768.22), dbSNP rs2092347179, ClinGen allele CA516728524.

ClinVar aggregate classification (germline): Likely benign (1 of 4 stars; one submission).

Submission:

CeGaT Center for Human Genetics Tuebingen
Classification: Likely benign. Last evaluated: 2024-01-01. Review status: criteria provided, single submitter. Criteria: CeGaT Center For Human Genetics Tuebingen Variant Classification Criteria Version 2. Collection method: clinical testing. Allele origin: germline. Affected: yes. Observed: 1 variant allele.
Comment: MED12: PM2:Supporting, BP4, BP7